The following is an entry in ClinVar:

ClinVar aggregate classification (germline): Likely benign (1 of 4 stars; one submission).

Allele frequency attached by ClinVar (database versions not stated): 1000 Genomes Project 0.00879; 1000 Genomes Project 30x 0.00906; TOPMed 0.01753; gnomAD 0.01848 and 0.01896.
gnomAD v4.1: 2,835 of 152,172 alleles (1.9%); highest among the groups gnomAD compares: Middle Eastern, 3.1%; 34 homozygotes.

Submission:

GeneDx
Classification: Likely benign. Last evaluated: 2018-06-15. Review status: criteria provided, single submitter. Criteria: GeneDx Variant Classification (06012015). Collection method: clinical testing. Allele origin: germline. Affected: yes.
Comment: This variant is considered likely benign or benign based on one or more of the following criteria: it is a conservative change, it occurs at a poorly conserved position in the protein, it is predicted to be benign by multiple in silico algorithms, and/or has population frequency not consistent with disease.

NM_000038.6(APC):c.220+249C>T

Gene: APC (APC regulator of WNT signaling pathway; plus strand). Cytogenetic location: 5q22.2.
Variant type: single nucleotide variant.
Coding change: c.220+249C>T on transcript NM_000038.6 (MANE Select); 249 bases into the intron after coding-DNA position 220, C replaced by T.
Molecular consequence: intron variant.
Genome position (GRCh38, 1-based): chr5:112,766,659, C>T. VCF-style: chr5-112766659-C-T. GRCh37 (hg19) VCF-style: chr5-112102356-C-T.
Other names: c.220+249C>T (NM_001354895.2, NM_001127510.3, NM_001354896.2 and 2 more transcripts); c.250+249C>T (NM_001354897.2, NM_001354902.2, NM_001127511.3); c.145+249C>T (NM_001354898.2, NM_001354904.2); c.-816+249C>T (NM_001354906.2); c.43+249C>T (NM_001354900.2, NM_001354901.2, NM_001354905.2).
Identifiers: ClinVar variation 676899 (VCV000676899.1), dbSNP rs2431510, ClinGen allele CA124975258.